The following is an entry in ClinVar:

ClinVar aggregate classification (germline): Uncertain significance. Review status: criteria provided, multiple submitters, no conflicts (2 of 4 stars). 2 submissions from 2 submitters: Uncertain significance (2). Last evaluated 2021-07-25.

Conditions:
Hereditary cancer-predisposing syndrome. Also called: Hereditary neoplastic syndrome; Neoplastic Syndromes, Hereditary; Hereditary Cancer Syndrome; Tumor predisposition. Identifiers: Orphanet 140162, MedGen C0027672, MeSH D009386, MONDO:0015356.

Submissions (2):

Labcorp Genetics (formerly Invitae), Labcorp
Classification: Uncertain significance. Last evaluated: 2021-07-25. Review status: criteria provided, single submitter. Criteria: Invitae Variant Classification Sherloc (09022015). Collection method: clinical testing. Allele origin: germline.
Comment: In summary, the available evidence is currently insufficient to determine the role of this variant in disease. Therefore, it has been classified as a Variant of Uncertain Significance. Algorithms developed to predict the effect of missense changes on protein structure and function are either unavailable or do not agree on the potential impact of this missense change (SIFT: "Deleterious"; PolyPhen-2: "Probably Damaging"; Align-GVGD: "Class C0"). This variant has not been reported in the literature in individuals affected with XRCC2-related conditions. This variant is not present in population databases (ExAC no frequency). This sequence change replaces leucine with histidine at codon 14 of the XRCC2 protein (p.Leu14His). The leucine residue is highly conserved and there is a moderate physicochemical difference between leucine and histidine.

Ambry Genetics
Classification: Uncertain significance for Hereditary cancer-predisposing syndrome. Last evaluated: 2020-12-18. Review status: criteria provided, single submitter. Criteria: Ambry Variant Classification Scheme 2023. Collection method: clinical testing. Allele origin: germline.
Comment: The p.L14H variant (also known as c.41T>A), located in coding exon 2 of the XRCC2 gene, results from a T to A substitution at nucleotide position 41. The leucine at codon 14 is replaced by histidine, an amino acid with similar properties. This amino acid position is highly conserved in available vertebrate species. In addition, the in silico prediction for this alteration is inconclusive. Since supporting evidence is limited at this time, the clinical significance of this alteration remains unclear.

NM_005431.2(XRCC2):c.41T>A (p.Leu14His)

Gene: XRCC2 (X-ray repair cross complementing 2; minus strand). Cytogenetic location: 7q36.1.
Variant type: single nucleotide variant.
Coding change: c.41T>A on transcript NM_005431.2 (MANE Select); coding-DNA position 41, T replaced by A.
Protein change: p.Leu14His; replaces leucine 14 with histidine.
Molecular consequence: missense variant.
Genome position (GRCh38, 1-based): chr7:152,660,781, A>T on the plus strand (T>A on the coding strand, the complement: XRCC2 is on the minus strand). VCF-style: chr7-152660781-A-T. GRCh37 (hg19) VCF-style: chr7-152357866-A-T.
Other names: short protein forms L14H.
Identifiers: ClinVar variation 1485496 (VCV001485496.10), dbSNP rs757140620, ClinGen allele CA370199556.
Genomic context (GRCh38, chr7:152,660,781, plus strand): 5'-TCAGCAAACAGATTTGGTTCTATTTCTTTCAAGGAACTTCTACCTTCAAGTCGGGCAAGG[A>T]GCTTATAAAAGAAGAGAGAAGGAAAACTCATTATTTAAAAATATAAAATCCTAGACATCT-3'
Protein context (NP_005422.1, residues 4-24): AFHRAESGTE[Leu14His]LARLEGRSSL